The following is an entry in ClinVar:

ClinVar aggregate classification (germline): Uncertain significance (1 of 4 stars; one submission).

gnomAD v4.1: 1 of 1,613,938 alleles (0.000062%); highest among the groups gnomAD compares: Non-Finnish European, 0.000085%; no homozygotes.

Submission:

GeneDx
Classification: Uncertain significance. Last evaluated: 2025-07-04. Review status: criteria provided, single submitter. Criteria: GeneDx Variant Classification Process June 2021. Collection method: clinical testing. Allele origin: germline. Affected: yes.
Comment: Not observed at significant frequency in large population cohorts (gnomAD); In silico analysis supports that this missense variant has a deleterious effect on protein structure/function; Has not been previously published as pathogenic or benign to our knowledge; Located in one of the three hot-spot regions of the RYR2 gene, where the majority of pathogenic missense variants occur (PMID: 19926015); This variant is associated with the following publications: (PMID: 19926015)

NM_001035.3(RYR2):c.7550A>C (p.Asn2517Thr)

Gene: RYR2 (ryanodine receptor 2; plus strand). Cytogenetic location: 1q43.
Variant type: single nucleotide variant.
Coding change: c.7550A>C on transcript NM_001035.3 (MANE Select); coding-DNA position 7550, A replaced by C.
Protein change: p.Asn2517Thr; replaces asparagine 2517 with threonine.
Molecular consequence: missense variant.
Genome position (GRCh38, 1-based): chr1:237,649,914, A>C. VCF-style: chr1-237649914-A-C. GRCh37 (hg19) VCF-style: chr1-237813214-A-C.
Other names: short protein forms N2517T.
Identifiers: ClinVar variation 4685314 (VCV004685314.1).